The following is an entry in ClinVar:

ClinVar aggregate classification (germline): Likely benign (1 of 4 stars; one submission).

Allele frequency attached by ClinVar (database versions not stated): gnomAD 0.00001; ExAC 0.00002; gnomAD exomes 0.00002; TOPMed 0.00002; 1000 Genomes Project 30x 0.00016; 1000 Genomes Project 0.00020.
gnomAD v4.1: 33 of 1,581,818 alleles (0.0021%); highest among the groups gnomAD compares: East Asian, 0.016%; no homozygotes.

Submission:

Laboratory for Molecular Medicine, Mass General Brigham Personalized Medicine
Classification: Likely benign. Last evaluated: 2013-03-09. Review status: criteria provided, single submitter. Criteria: LMM Criteria. Collection method: clinical testing. Allele origin: germline. Observed: 1 variant allele.
Comment: 1440+15A>G in intron 12 of GPSM2: This variant is not expected to have clinical significance because it does not alter the splice consensus sequence and has bee n identified in 0.2% (1/572) of Asian chromosomes by the 1000 Genomes Project (d bSNP rs199640162).

NM_013296.5(GPSM2):c.1440+15A>G

Gene: GPSM2 (G protein signaling modulator 2; plus strand). Cytogenetic location: 1p13.3.
Variant type: single nucleotide variant.
Coding change: c.1440+15A>G on transcript NM_013296.5 (MANE Select); 15 bases into the intron after coding-DNA position 1440, A replaced by G.
Molecular consequence: intron variant.
Genome position (GRCh38, 1-based): chr1:108,918,804, A>G. VCF-style: chr1-108918804-A-G. GRCh37 (hg19) VCF-style: chr1-109461426-A-G.
Other names: c.1440+15A>G (NM_001321038.2, NM_001321039.3).
Identifiers: ClinVar variation 45565 (VCV000045565.4), dbSNP rs199640162, ClinGen allele CA136664.